The following is an entry in ClinVar:

NM_139343.3(BIN1):c.1674+7G>C

Gene: BIN1 (bridging integrator 1; minus strand). Cytogenetic location: 2q14.3.
Variant type: single nucleotide variant.
Coding change: c.1674+7G>C on transcript NM_139343.3 (MANE Select); 7 bases into the intron after coding-DNA position 1674, G replaced by C.
Molecular consequence: intron variant.
Genome position (GRCh38, 1-based): chr2:127,050,414, C>G on the plus strand (G>C on the coding strand, the complement: BIN1 is on the minus strand). VCF-style: chr2-127050414-C-G. GRCh37 (hg19) VCF-style: chr2-127807990-C-G.
Other names: c.1593+7G>C (NM_001320642.1); c.1050+7G>C (NM_001320634.1); c.1122+7G>C (NM_139351.3); c.1212+7G>C (NM_139350.3); c.1320+7G>C (NM_139349.3); c.1341+7G>C (NM_139348.3); c.1449+7G>C (NM_139347.3); c.1581+7G>C (NM_001320641.2); and 8 more.
Identifiers: ClinVar variation 2731487 (VCV002731487.5), dbSNP rs766215210, ClinGen allele CA55336860.

ClinVar aggregate classification (germline): Likely benign. Review status: criteria provided, single submitter (1 of 4 stars). 2 submissions from 2 submitters: Likely benign (1). 1 of the submissions does not count toward it. Last evaluated 2024-08-29.

Conditions:
BIN1-related disorder. Also called: BIN1-related condition.
Myopathy, centronuclear, 2 (CNM2). Also called: MYOTUBULAR MYOPATHY, AUTOSOMAL RECESSIVE. Identifiers: Orphanet 169186, MedGen CN031787, MONDO:0009709, OMIM 255200.

Allele frequency attached by ClinVar (database versions not stated): gnomAD 0.00006; TOPMed 0.00008.
gnomAD v4.1: 14 of 1,613,890 alleles (0.00087%); highest among the groups gnomAD compares: African/African-American, 0.016%; no homozygotes.

Submissions (2):

Labcorp Genetics (formerly Invitae), Labcorp
Classification: Likely benign for Myopathy, centronuclear, 2. Last evaluated: 2024-08-29. Review status: criteria provided, single submitter. Criteria: Invitae Variant Classification Sherloc (09022015). Collection method: clinical testing. Allele origin: germline.

PreventionGenetics, part of Exact Sciences
Classification: Likely benign for BIN1-related condition. Last evaluated: 2019-07-29. Review status: no assertion criteria provided. Collection method: clinical testing. Allele origin: germline. Not counted in ClinVar's aggregate classification.
Comment: This variant is classified as likely benign based on ACMG/AMP sequence variant interpretation guidelines (Richards et al. 2015 PMID: 25741868, with internal and published modifications).